The following is an entry in ClinVar:

ClinVar aggregate classification (germline): Likely benign (1 of 4 stars; one submission).

Allele frequency attached by ClinVar (database versions not stated): 1000 Genomes Project 30x 0.00016; gnomAD 0.00030; gnomAD exomes 0.00033; ExAC 0.00039; 1000 Genomes Project 0.00040.
gnomAD v4.1: 417 of 1,272,140 alleles (0.033%); highest among the groups gnomAD compares: East Asian, 0.059%; 74 homozygotes.

Submission:

CeGaT Center for Human Genetics Tuebingen
Classification: Likely benign. Last evaluated: 2023-04-01. Review status: criteria provided, single submitter. Criteria: CeGaT Center For Human Genetics Tuebingen Variant Classification Criteria Version 2. Collection method: clinical testing. Allele origin: germline. Affected: yes. Observed: 2 variant alleles.
Comment: AHNAK2: BP4, BP7, BS2

NM_138420.4(AHNAK2):c.6504A>T (p.Pro2168=)

Gene: AHNAK2 (AHNAK nucleoprotein 2; minus strand). Cytogenetic location: 14q32.33.
Variant type: single nucleotide variant.
Coding change: c.6504A>T on transcript NM_138420.4 (MANE Select); coding-DNA position 6504, A replaced by T.
Protein change: p.Pro2168=; no amino-acid change (proline 2168 retained).
Molecular consequence: synonymous variant.
Genome position (GRCh38, 1-based): chr14:104,948,947, T>A on the plus strand (A>T on the coding strand, the complement: AHNAK2 is on the minus strand). VCF-style: chr14-104948947-T-A. GRCh37 (hg19) VCF-style: chr14-105415284-T-A.
Other names: c.6204A>T, p.Pro2068= (NM_001350929.2).
Identifiers: ClinVar variation 2644738 (VCV002644738.24), dbSNP rs569060221, ClinGen allele CA7381112.